The following is an entry in ClinVar:

NM_001048174.2(MUTYH):c.985A>T (p.Asn329Tyr)

Gene: MUTYH (mutY DNA glycosylase; minus strand). Cytogenetic location: 1p34.1.
Variant type: single nucleotide variant.
Coding change: c.985A>T on transcript NM_001048174.2 (MANE Select); coding-DNA position 985, A replaced by T.
Protein change: p.Asn329Tyr; replaces asparagine 329 with tyrosine.
Molecular consequence: missense variant. On other transcripts: non-coding transcript variant (7).
Genome position (GRCh38, 1-based): chr1:45,331,778, T>A on the plus strand (A>T on the coding strand, the complement: MUTYH is on the minus strand). VCF-style: chr1-45331778-T-A. GRCh37 (hg19) VCF-style: chr1-45797450-T-A.
Other names: c.1018A>T, p.Asn340Tyr (NM_001293191.2, NM_001407069.1, NM_001407077.1); c.709A>T, p.Asn237Tyr (NM_001293192.2, NM_001293196.2, NM_001407091.1); c.985A>T, p.Asn329Tyr (NM_001293195.2, NM_001407070.1, NM_001407088.1 and 6 more transcripts); c.640A>T, p.Asn214Tyr (NM_001350650.2, NM_001350651.2, NM_001407082.1); c.988A>T, p.Asn330Tyr (NM_001407071.1, NM_001407086.1, NM_001048172.2 and 1 more transcripts); c.1027A>T, p.Asn343Tyr (NM_001407085.1, NM_001407083.1); c.1006A>T, p.Asn336Tyr (NM_001407087.1); c.1060A>T, p.Asn354Tyr (NM_012222.3); and 5 more; short protein forms N316Y, N329Y, N330Y, N344Y, N354Y, N301Y, N315Y, N357Y.
Identifiers: ClinVar variation 4112978 (VCV004112978.1).

ClinVar aggregate classification (germline): Uncertain significance (1 of 4 stars; one submission).

Conditions:
Hereditary cancer-predisposing syndrome. Also called: Tumor predisposition; Neoplastic Syndromes, Hereditary; Hereditary neoplastic syndrome; Hereditary Cancer Syndrome. Identifiers: Orphanet 140162, MedGen C0027672, MeSH D009386, MONDO:0015356.

Submission:

Ambry Genetics
Classification: Uncertain significance for Hereditary cancer-predisposing syndrome. Last evaluated: 2025-08-27. Review status: criteria provided, single submitter. Criteria: Ambry Variant Classification Scheme 2023. Collection method: clinical testing. Allele origin: germline.
Comment: The p.N357Y variant (also known as c.1069A>T), located in coding exon 12 of the MUTYH gene, results from an A to T substitution at nucleotide position 1069. The asparagine at codon 357 is replaced by tyrosine, an amino acid with dissimilar properties. This amino acid position is conserved. In addition, the in silico prediction for this alteration is inconclusive. Based on the available evidence, the clinical significance of this variant remains unclear.